The following is an entry in ClinVar:

NM_001378120.1(MBD5):c.759T>G (p.Ser253Arg)

Gene: MBD5 (methyl-CpG binding domain protein 5; plus strand). Cytogenetic location: 2q23.1.
Variant type: single nucleotide variant.
Coding change: c.759T>G on transcript NM_001378120.1 (MANE Select); coding-DNA position 759, T replaced by G.
Protein change: p.Ser253Arg; replaces serine 253 with arginine.
Molecular consequence: missense variant.
Genome position (GRCh38, 1-based): chr2:148,468,702, T>G. VCF-style: chr2-148468702-T-G. GRCh37 (hg19) VCF-style: chr2-149226271-T-G.
Other names: c.759T>G, p.Ser253Arg (NM_018328.5); short protein forms S253R.
Identifiers: ClinVar variation 2077126 (VCV002077126.4), dbSNP rs2469857525, ClinGen allele CA348717661.

ClinVar aggregate classification (germline): Uncertain significance (1 of 4 stars; one submission).

Conditions:
Intellectual developmental disorder, autosomal dominant 1. Also called: Intellectual disability, autosomal dominant 1; MBD5 Haploinsufficiency. Identifiers: Orphanet 228402, MedGen C1969562, MONDO:0007974, OMIM 156200.

Submission:

Labcorp Genetics (formerly Invitae), Labcorp
Classification: Uncertain significance for Intellectual developmental disorder, autosomal dominant 1. Last evaluated: 2023-11-27. Review status: criteria provided, single submitter. Criteria: Invitae Variant Classification Sherloc (09022015). Collection method: clinical testing. Allele origin: germline.
Comment: This sequence change replaces serine, which is neutral and polar, with arginine, which is basic and polar, at codon 253 of the MBD5 protein (p.Ser253Arg). This variant is not present in population databases (gnomAD no frequency). This variant has not been reported in the literature in individuals affected with MBD5-related conditions. ClinVar contains an entry for this variant (Variation ID: 2077126). Advanced modeling of protein sequence and biophysical properties (such as structural, functional, and spatial information, amino acid conservation, physicochemical variation, residue mobility, and thermodynamic stability) performed at Invitae indicates that this missense variant is not expected to disrupt MBD5 protein function with a negative predictive value of 80%. In summary, the available evidence is currently insufficient to determine the role of this variant in disease. Therefore, it has been classified as a Variant of Uncertain Significance.